The following is an entry in ClinVar:

NM_000191.3(HMGCL):c.877-2A>G

Gene: HMGCL (3-hydroxy-3-methylglutaryl-CoA lyase; minus strand). Cytogenetic location: 1p36.11.
Variant type: single nucleotide variant.
Coding change: c.877-2A>G on transcript NM_000191.3 (MANE Select); the canonical splice acceptor site of the intron before coding-DNA position 877, A replaced by G.
Molecular consequence: splice acceptor variant.
Genome position (GRCh38, 1-based): chr1:23,802,566, T>C on the plus strand (A>G on the coding strand, the complement: HMGCL is on the minus strand). VCF-style: chr1-23802566-T-C. GRCh37 (hg19) VCF-style: chr1-24129056-T-C.
Other names: c.664-2A>G (NM_001166059.2).
Identifiers: ClinVar variation 4817885 (VCV004817885.1).

ClinVar aggregate classification (germline): Likely pathogenic (1 of 4 stars; one submission).

Conditions:
Long chain 3-hydroxyacyl-CoA dehydrogenase deficiency. Also called: Deficiency of long-chain 3-hydroxyacyl-coenzyme A dehydrogenase; LCHAD Deficiency. Identifiers: Orphanet 5, MedGen C3711645, MONDO:0012173, OMIM 609016.

Submission:

Natera, Inc.
Classification: Likely pathogenic for Deficiency of long-chain 3-hydroxyacyl-coenzyme A dehydrogenase. Last evaluated: 2025-08-07. Review status: criteria provided, single submitter. Criteria: Natera Variant Classification Schema (03/2026). Collection method: clinical testing. Allele origin: germline.
Comment: The c.877-2A>G variant in HMGCL is a canonical splice acceptor site variant predicted to affect pre-mRNA splicing, which may result in an abnormal transcript and altered protein product. This variant is expected to result in nonsense mediated decay, truncation, or a dysfunctional protein product. This variant is rare in the general population with a frequency below the threshold expected for the associated phenotype(s). Given the available evidence, this variant is classified as Likely Pathogenic.